The following is an entry in ClinVar:

NM_021999.5(ITM2B):c.598C>G (p.His200Asp)

Gene: ITM2B (integral membrane protein 2B; plus strand). Cytogenetic location: 13q14.2.
Variant type: single nucleotide variant.
Coding change: c.598C>G on transcript NM_021999.5 (MANE Select); coding-DNA position 598, C replaced by G.
Protein change: p.His200Asp; replaces histidine 200 with aspartic acid.
Molecular consequence: missense variant.
Genome position (GRCh38, 1-based): chr13:48,258,830, C>G. VCF-style: chr13-48258830-C-G. GRCh37 (hg19) VCF-style: chr13-48832966-C-G.
Other names: c.598C>G (NM_021999.4); short protein forms H200D.
Identifiers: ClinVar variation 2995946 (VCV002995946.4), dbSNP rs1443463915, ClinGen allele CA388251825.

ClinVar aggregate classification (germline): Uncertain significance. Review status: criteria provided, multiple submitters, no conflicts (2 of 4 stars). 2 submissions from 2 submitters: Uncertain significance (2). Last evaluated 2023-12-13.

Conditions:
Inborn genetic diseases. Identifiers: MedGen C0950123, MeSH D030342.

Allele frequency attached by ClinVar (database versions not stated): gnomAD 0.00001.
gnomAD v4.1: 5 of 1,613,578 alleles (0.00031%); highest among the groups gnomAD compares: East Asian, 0.0089%; no homozygotes.

Submissions (2):

Ambry Genetics
Classification: Uncertain significance for Inborn genetic diseases. Last evaluated: 2023-12-13. Review status: criteria provided, single submitter. Criteria: Ambry Variant Classification Scheme 2023. Collection method: clinical testing. Allele origin: germline.

Labcorp Genetics (formerly Invitae), Labcorp
Classification: Uncertain significance. Last evaluated: 2023-10-09. Review status: criteria provided, single submitter. Criteria: Invitae Variant Classification Sherloc (09022015). Collection method: clinical testing. Allele origin: germline.
Comment: This sequence change replaces histidine, which is basic and polar, with aspartic acid, which is acidic and polar, at codon 200 of the ITM2B protein (p.His200Asp). This variant is present in population databases (no rsID available, gnomAD 0.02%). This variant has not been reported in the literature in individuals affected with ITM2B-related conditions. Advanced modeling of protein sequence and biophysical properties (such as structural, functional, and spatial information, amino acid conservation, physicochemical variation, residue mobility, and thermodynamic stability) performed at Invitae indicates that this missense variant is not expected to disrupt ITM2B protein function. In summary, the available evidence is currently insufficient to determine the role of this variant in disease. Therefore, it has been classified as a Variant of Uncertain Significance.